The following is an entry in ClinVar:

NM_005477.3(HCN4):c.1928T>G (p.Leu643Arg)

Gene: HCN4 (hyperpolarization activated cyclic nucleotide gated potassium channel 4; minus strand). Cytogenetic location: 15q24.1.
Variant type: single nucleotide variant.
Coding change: c.1928T>G on transcript NM_005477.3 (MANE Select); coding-DNA position 1928, T replaced by G.
Protein change: p.Leu643Arg; replaces leucine 643 with arginine.
Molecular consequence: missense variant.
Genome position (GRCh38, 1-based): chr15:73,325,005, A>C on the plus strand (T>G on the coding strand, the complement: HCN4 is on the minus strand). VCF-style: chr15-73325005-A-C. GRCh37 (hg19) VCF-style: chr15-73617346-A-C.
Other names: short protein forms L643R.
Identifiers: ClinVar variation 427950 (VCV000427950.3), dbSNP rs1555475541, ClinGen allele CA393090566.

ClinVar aggregate classification (germline): Uncertain significance. Review status: criteria provided, multiple submitters, no conflicts (2 of 4 stars). 2 submissions from 2 submitters: Uncertain significance (2). Last evaluated 2025-12-21.

Conditions:
Brugada syndrome 8 (BRGDA8). Identifiers: Orphanet 130, MedGen C2751083, MONDO:0013148, OMIM 613123.
Sinus bradycardia. Identifiers: MedGen C0085610, HP:0001688.
Sudden cardiac death (SCD). Also called: Sudden adult death syndrome. Identifiers: MedGen C0085298, MeSH D016757, HP:0001645.

Allele frequency attached by ClinVar (database versions not stated): gnomAD exomes below 0.00001.
gnomAD v4.1: 1 of 1,614,156 alleles (0.000062%); highest among the groups gnomAD compares: Non-Finnish European, 0.000085%; no homozygotes.

Submissions (2):

Labcorp Genetics (formerly Invitae), Labcorp
Classification: Uncertain significance for Brugada syndrome 8. Last evaluated: 2025-12-21. Review status: criteria provided, single submitter. Criteria: Invitae Variant Classification Sherloc (09022015). Collection method: clinical testing. Allele origin: germline.
Comment: This sequence change replaces leucine, which is neutral and non-polar, with arginine, which is basic and polar, at codon 643 of the HCN4 protein (p.Leu643Arg). This variant is not present in population databases (gnomAD no frequency). This variant has not been reported in the literature in individuals affected with HCN4-related conditions. ClinVar contains an entry for this variant (Variation ID: 427950). Invitae Evidence Modeling of protein sequence and biophysical properties (such as structural, functional, and spatial information, amino acid conservation, physicochemical variation, residue mobility, and thermodynamic stability) has been performed for this missense variant. However, the output from this modeling did not meet the statistical confidence thresholds required to predict the impact of this variant on HCN4 protein function. In summary, the available evidence is currently insufficient to determine the role of this variant in disease. Therefore, it has been classified as a Variant of Uncertain Significance.

Center for Human Genetics, University of Leuven
Classification: Uncertain significance for Sudden cardiac death; Sinus bradycardia. Last evaluated: 2017-02-09. Review status: criteria provided, single submitter. Criteria: ACMG Guidelines, 2015. Collection method: clinical testing. Allele origin: germline. Inheritance: Autosomal dominant inheritance. Affected: yes. Observed: 1 variant allele.
Comment: ACMG score unknown significance